The following is an entry in ClinVar:

ClinVar aggregate classification (germline): Likely benign (1 of 4 stars; one submission).

Allele frequency attached by ClinVar (database versions not stated): gnomAD exomes below 0.00001.
gnomAD v4.1: 1 of 1,557,646 alleles (0.000064%); highest among the groups gnomAD compares: Non-Finnish European, 0.000087%; no homozygotes.

Submission:

GeneDx
Classification: Likely benign. Last evaluated: 2017-07-24. Review status: criteria provided, single submitter. Criteria: GeneDx Variant Classification (06012015). Collection method: clinical testing. Allele origin: germline. Affected: yes.
Comment: This variant is considered likely benign or benign based on one or more of the following criteria: it is a conservative change, it occurs at a poorly conserved position in the protein, it is predicted to be benign by multiple in silico algorithms, and/or has population frequency not consistent with disease.

NM_022363.3(LHX5):c.675+4C>A

Gene: LHX5 (LIM homeobox 5; minus strand). Cytogenetic location: 12q24.13.
Variant type: single nucleotide variant.
Coding change: c.675+4C>A on transcript NM_022363.3 (MANE Select); 4 bases into the intron after coding-DNA position 675, C replaced by A.
Molecular consequence: intron variant.
Genome position (GRCh38, 1-based): chr12:113,468,123, G>T on the plus strand (C>A on the coding strand, the complement: LHX5 is on the minus strand). VCF-style: chr12-113468123-G-T. GRCh37 (hg19) VCF-style: chr12-113905928-G-T.
Identifiers: ClinVar variation 510818 (VCV000510818.1), dbSNP rs1555212451, ClinGen allele CA658797962.